The following is an entry in ClinVar:

ClinVar aggregate classification (germline): Pathogenic (1 of 4 stars; one submission).

Conditions:
Neurofibromatosis, type 1 (NF1). Also called: VON RECKLINGHAUSEN DISEASE; Peripheral type neurofibromatosis; NEUROFIBROMATOSIS, TYPE I, SOMATIC; Neurofibromatosis, type I. Identifiers: Orphanet 636, MedGen C0027831, MONDO:0018975, OMIM 162200. Disease mechanism: loss of function.

Submission:

Labcorp Genetics (formerly Invitae), Labcorp
Classification: Pathogenic for Neurofibromatosis, type 1. Last evaluated: 2024-09-23. Review status: criteria provided, single submitter. Criteria: Invitae Variant Classification Sherloc (09022015). Collection method: clinical testing. Allele origin: germline.
Comment: This sequence change creates a premature translational stop signal (p.Leu2714Serfs*2) in the NF1 gene. It is expected to result in an absent or disrupted protein product. Loss-of-function variants in NF1 are known to be pathogenic (PMID: 10712197, 23913538). This variant is not present in population databases (gnomAD no frequency). This variant has not been reported in the literature in individuals affected with NF1-related conditions. ClinVar contains an entry for this variant (Variation ID: 1071353). For these reasons, this variant has been classified as Pathogenic.

Literature cited by the submitters: PubMed 10712197; PubMed 23913538.

NM_001042492.3(NF1):c.8202dup (p.Leu2735fs)

Gene: NF1 (neurofibromin 1; plus strand). Cytogenetic location: 17q11.2.
Variant type: Duplication.
Coding change: c.8202dup on transcript NM_001042492.3 (MANE Select); coding-DNA position 8202, one base duplicated (T; older notation c.8202dupT).
Protein change: p.Leu2735fs; shifts the reading frame from leucine 2735.
Molecular consequence: frameshift variant.
Genome position (GRCh38, 1-based): chr17:31,360,528, T duplicated; the last of 3 consecutive T bases (chr17:31,360,526-31,360,528); duplicating any one gives the same sequence. VCF-style (leftmost placement, unchanged base first): chr17-31360525-G-GT. GRCh37 (hg19) VCF-style: chr17-29687543-G-GT.
Other names: c.8139dup, p.Leu2714Serfs (NM_000267.4); short protein forms L2714fs, L2735fs.
Identifiers: ClinVar variation 1071353 (VCV001071353.5), dbSNP rs2151587760, ClinGen allele CA2499224256.